The following is an entry in ClinVar:

ClinVar aggregate classification (germline): Uncertain significance (1 of 4 stars; one submission).

Conditions:
Dilated cardiomyopathy 1AA (CMD1AA). Also called: CARDIOMYOPATHY, DILATED, 1AA, WITH OR WITHOUT LEFT VENTRICULAR NONCOMPACTION; CARDIOMYOPATHY, FAMILIAL HYPERTROPHIC, 23, WITH OR WITHOUT LEFT VENTRICULAR NONCOMPACTION; Cardiomyopathy, dilated, 1AA, with or without LVNC. Identifiers: Orphanet 154, MedGen C2677338, MONDO:0012808, OMIM 612158.
Primary familial hypertrophic cardiomyopathy (HCM). Identifiers: Orphanet 99739, MedGen C0949658, MeSH D024741, MONDO:0024573. Inheritance: Various modes of inheritance.

Submission:

Labcorp Genetics (formerly Invitae), Labcorp
Classification: Uncertain significance for Primary familial hypertrophic cardiomyopathy; Dilated cardiomyopathy 1AA. Last evaluated: 2025-11-09. Review status: criteria provided, single submitter. Criteria: Invitae Variant Classification Sherloc (09022015). Collection method: clinical testing. Allele origin: germline.
Comment: This sequence change replaces proline, which is neutral and non-polar, with threonine, which is neutral and polar, at codon 651 of the ACTN2 protein (p.Pro651Thr). This variant is not present in population databases (gnomAD no frequency). This variant has not been reported in the literature in individuals affected with ACTN2-related conditions. ClinVar contains an entry for this variant (Variation ID: 2100081). Invitae Evidence Modeling of protein sequence and biophysical properties (such as structural, functional, and spatial information, amino acid conservation, physicochemical variation, residue mobility, and thermodynamic stability) indicates that this missense variant is not expected to disrupt ACTN2 protein function with a negative predictive value of 80%. In summary, the available evidence is currently insufficient to determine the role of this variant in disease. Therefore, it has been classified as a Variant of Uncertain Significance.

NM_001103.4(ACTN2):c.1951C>A (p.Pro651Thr)

Gene: ACTN2 (actinin alpha 2; plus strand). Cytogenetic location: 1q43.
Variant type: single nucleotide variant.
Coding change: c.1951C>A on transcript NM_001103.4 (MANE Select); coding-DNA position 1951, C replaced by A.
Protein change: p.Pro651Thr; replaces proline 651 with threonine.
Molecular consequence: missense variant.
Genome position (GRCh38, 1-based): chr1:236,754,058, C>A. VCF-style: chr1-236754058-C-A. GRCh37 (hg19) VCF-style: chr1-236917358-C-A.
Other names: c.1951C>A, p.Pro651Thr (NM_001278343.2); c.1327C>A, p.Pro443Thr (NM_001278344.2); c.1201C>A, p.Pro401Thr (NM_001412150.1); short protein forms P651T, P401T, P443T.
Identifiers: ClinVar variation 2100081 (VCV002100081.4), dbSNP rs1416165135, ClinGen allele CA345387035.